The following is an entry in ClinVar:

ClinVar aggregate classification (germline): Uncertain significance (1 of 4 stars; one submission).

gnomAD v4.1: 4 of 1,612,278 alleles (0.00025%); highest among the groups gnomAD compares: Non-Finnish European, 0.00034%; no homozygotes.

Submission:

Labcorp Genetics (formerly Invitae), Labcorp
Classification: Uncertain significance. Last evaluated: 2025-04-19. Review status: criteria provided, single submitter. Criteria: Invitae Variant Classification Sherloc (09022015). Collection method: clinical testing. Allele origin: germline.
Comment: This sequence change replaces threonine, which is neutral and polar, with asparagine, which is neutral and polar, at codon 346 of the FAM186B protein (p.Thr346Asn). The frequency data for this variant in the population databases is considered unreliable, as metrics indicate poor data quality at this position in the gnomAD database. This variant has not been reported in the literature in individuals affected with FAM186B-related conditions. An algorithm developed to predict the effect of missense changes on protein structure and function (PolyPhen-2) suggests that this variant is likely to be disruptive. In summary, the available evidence is currently insufficient to determine the role of this variant in disease. Therefore, it has been classified as a Variant of Uncertain Significance.

NM_032130.3(FAM186B):c.1037C>A (p.Thr346Asn)

Gene: FAM186B (family with sequence similarity 186 member B; minus strand). Cytogenetic location: 12q13.12.
Variant type: single nucleotide variant.
Coding change: c.1037C>A on transcript NM_032130.3 (MANE Select); coding-DNA position 1037, C replaced by A.
Protein change: p.Thr346Asn; replaces threonine 346 with asparagine.
Molecular consequence: missense variant. On other transcripts: non-coding transcript variant (1).
Genome position (GRCh38, 1-based): chr12:49,600,603, G>T on the plus strand (C>A on the coding strand, the complement: FAM186B is on the minus strand). VCF-style: chr12-49600603-G-T. GRCh37 (hg19) VCF-style: chr12-49994386-G-T.
Other names: short protein forms T346N.
Identifiers: ClinVar variation 4776879 (VCV004776879.1).
Genomic context (GRCh38, chr12:49,600,603, plus strand): 5'-TGCTCCTCCTTCATCGGTTCCTGTTGGCTTTCCTCCATGACTGTTTCTTTCCTTGGGAGG[G>T]TCTCTCTCTCAGAGGGACCTGGGGAGTCAACAGAAACCTCAGCCAGGTCTTCTGCCTGAC-3'
Protein context (NP_115506.1, residues 336-356): VDSPGPSERE[Thr346Asn]LPRKETVMEE